The following is an entry in ClinVar:

ClinVar aggregate classification (germline): Uncertain significance (1 of 4 stars; one submission).

Conditions:
Renal coloboma syndrome (PAPRS). Also called: COLOBOMA OF OPTIC NERVE WITH RENAL DISEASE; OPTIC COLOBOMA, VESICOURETERAL REFLUX, AND RENAL ANOMALIES; OPTIC NERVE COLOBOMA WITH RENAL DISEASE; RENAL-COLOBOMA SYNDROME WITH MACULAR ABNORMALITIES; PAPILLORENAL SYNDROME; PAPILLORENAL SYNDROME WITH MILD OCULAR ABNORMALITIES. Identifiers: Orphanet 1475, MedGen C1852759, MONDO:0007352, OMIM 120330.

Submission:

MVZ Medizinische Genetik Mainz
Classification: Uncertain significance for Renal coloboma syndrome. Last evaluated: 2023-04-04. Review status: criteria provided, single submitter. Criteria: UK Practice Guidelines For Variant Classification V4 01 2020. Collection method: clinical testing. Allele origin: germline. Inheritance: Autosomal dominant inheritance. Affected: yes. Observed: 1 variant allele.
Comment: ACMG Criteria: PM2_SUP,PP4,BP4

NM_000278.5(PAX2):c.43+934G>C

Gene: PAX2 (paired box 2; plus strand). Cytogenetic location: 10q24.31.
Variant type: single nucleotide variant.
Coding change: c.43+934G>C on transcript NM_000278.5 (MANE Select); 934 bases into the intron after coding-DNA position 43, G replaced by C.
Molecular consequence: intron variant. On other transcripts: 3 prime UTR variant (1).
Genome position (GRCh38, 1-based): chr10:100,747,237, G>C. VCF-style: chr10-100747237-G-C. GRCh37 (hg19) VCF-style: chr10-102506994-G-C.
Other names: c.*50G>C (NM_001374303.1); c.136+934G>C (NM_001304569.2); c.43+934G>C (NM_003987.5, NM_003990.5, NM_003988.5 and 1 more transcripts).
Identifiers: ClinVar variation 3066355 (VCV003066355.1), dbSNP rs1171058782, ClinGen allele CA2740097861.
Genomic context (GRCh38, chr10:100,747,237, plus strand): 5'-TCCTTGCCTAGACTGCCGACTCCCCATTGAGGATCACGCAGCCAGCAACCTGGCCAGGGG[G>C]TCAGCAAAGAGCAAAAAATGAGGGGGAAAGAACAAAAGGAAAGCAAATGCCAAAGCTGAG-3'